The following is an entry in ClinVar:

GRCh37/hg19 9q34.2(chr9:135940490-135962157)x3

Gene: CEL (carboxyl ester lipase; plus strand). Cytogenetic location: 9q34.2.
Variant type: copy number gain.
Change: copy number 3 (three copies instead of two) of chr9:135,940,490-135,962,157 (21.7 kb, GRCh37 coordinates, 1-based), cytogenetic band 9q34.2.
Identifiers: ClinVar variation 395316 (VCV000395316.3).

ClinVar aggregate classification (germline): Benign/Likely benign (0 of 4 stars; one submission).

Submission:

ISCA Site 6
Classification: Benign/Likely benign. Review status: no assertion criteria provided. Collection method: clinical testing. Allele origin: unknown. Affected: yes. Observed: 12 variant alleles. Clinical features observed: Developmental delay AND/OR other significant developmental or morphological phenotypes.
Comment: Likely benign (2), Benign (10)

Copy number variation identified through the course of routine clinical cytogenomic testing in postnatal populations, with clinical assertions as classified by the original submitter. For data from the original published study, Kaminsky, et al. 2011 (PubMed 21844811), please see nstd101.